The following is an entry in ClinVar:

NM_138295.5(PKD1L1):c.1932-8C>T

Gene: PKD1L1 (polycystin 1 like 1, transient receptor potential channel interacting; minus strand). Cytogenetic location: 7p12.3.
Variant type: single nucleotide variant.
Coding change: c.1932-8C>T on transcript NM_138295.5 (MANE Select); 8 bases into the intron before coding-DNA position 1932, C replaced by T.
Molecular consequence: intron variant.
Genome position (GRCh38, 1-based): chr7:47,902,519, G>A on the plus strand (C>T on the coding strand, the complement: PKD1L1 is on the minus strand). VCF-style: chr7-47902519-G-A. GRCh37 (hg19) VCF-style: chr7-47942116-G-A.
Identifiers: ClinVar variation 709218 (VCV000709218.9), dbSNP rs187924501, ClinGen allele CA4253898.
Genomic context (GRCh38, chr7:47,902,519, plus strand): 5'-TGGAGGCACTGACATTATTGAAGGCAAGGACCTCCACTGTAAATTCTCCTTCCCTGGGAC[G>A]GTGGAAAGCACAGAAATGAACAAATTTATGTTGATGAACGTCAGGCTTTCATTCACTCTT-3'

ClinVar aggregate classification (germline): Likely benign. Review status: criteria provided, multiple submitters, no conflicts (2 of 4 stars). 2 submissions from 2 submitters: Likely benign (2). Last evaluated 2026-05-01.

Allele frequency attached by ClinVar (database versions not stated): ExAC 0.00052; gnomAD exomes 0.00052 and 0.00064; ESP Exome Variant Server 0.00054; gnomAD 0.00055 and 0.00057; 1000 Genomes Project 0.00060; 1000 Genomes Project 30x 0.00062; TOPMed 0.00090.
gnomAD v4.1: 1,022 of 1,612,956 alleles (0.063%); highest among the groups gnomAD compares: Admixed American, 0.16%; 1 homozygote.

Submissions (2):

CeGaT Center for Human Genetics Tuebingen
Classification: Likely benign. Last evaluated: 2026-05-01. Review status: criteria provided, single submitter. Criteria: CeGaT Center For Human Genetics Tuebingen Variant Classification Criteria Version 2. Collection method: clinical testing. Allele origin: germline. Affected: yes. Observed: 1 variant allele.
Comment: PKD1L1: BP4

Labcorp Genetics (formerly Invitae), Labcorp
Classification: Likely benign. Last evaluated: 2026-01-08. Review status: criteria provided, single submitter. Criteria: Invitae Variant Classification Sherloc (09022015). Collection method: clinical testing. Allele origin: germline.